The following is an entry in ClinVar:

ClinVar aggregate classification (germline): Pathogenic/Likely pathogenic. Review status: criteria provided, multiple submitters, no conflicts (2 of 4 stars). 3 submissions from 3 submitters: Pathogenic (1); Likely pathogenic (2). Last evaluated 2022-06-03.

Conditions:
COL1A1-related disorder. Also called: COL1A1-related condition; COL1A1- related disease.
Osteogenesis imperfecta type III (OI3). Also called: Osteogenesis imperfecta type 3; OI type 3; Osteogenesis imperfecta, progressively deforming with normal sclerae; OI type III; Progressively Deforming Osteogenesis Imperfecta. Identifiers: Orphanet 216812, Orphanet 666, MedGen C0268362, MONDO:0009804, OMIM 259420.

Submissions (3):

Blueprint Genetics
Classification: Likely pathogenic for COL1A1-related disorders. Last evaluated: 2022-06-03. Review status: criteria provided, single submitter. Criteria: ACMG Guidelines, 2015. Collection method: clinical testing. Allele origin: germline. Affected: yes. Observed: 1 variant allele.

3billion
Classification: Likely pathogenic for Osteogenesis imperfecta type III. Last evaluated: 2022-01-03. Review status: criteria provided, single submitter. Criteria: ACMG Guidelines, 2015. Collection method: clinical testing. Allele origin: germline. Affected: yes. Observed: 1 heterozygote.
Comment: Stop-gained (nonsense): predicted to result in a loss or disruption of normal protein function through nonsense-mediated decay (NMD) or protein truncation. Multiple pathogenic variants are reported downstream of the variant (PVS1_VS). It is not observed in the gnomAD v2.1.1 dataset (PM2_M). Therefore, this variant is classified as likely pathogenic according to the recommendation of ACMG/AMP guideline.

Revvity Omics, Revvity
Classification: Pathogenic. Last evaluated: 2019-12-03. Review status: criteria provided, single submitter. Criteria: ACMG Guidelines, 2015. Collection method: clinical testing. Allele origin: germline.

NM_000088.4(COL1A1):c.1561G>T (p.Gly521Ter)

Gene: COL1A1 (collagen type I alpha 1 chain; minus strand). Cytogenetic location: 17q21.33.
Variant type: single nucleotide variant.
Coding change: c.1561G>T on transcript NM_000088.4 (MANE Select); coding-DNA position 1561, G replaced by T.
Protein change: p.Gly521Ter; replaces glycine 521 with a stop codon.
Molecular consequence: nonsense.
Genome position (GRCh38, 1-based): chr17:50,194,402, C>A on the plus strand (G>T on the coding strand, the complement: COL1A1 is on the minus strand). VCF-style: chr17-50194402-C-A. GRCh37 (hg19) VCF-style: chr17-48271763-C-A.
Other names: short protein forms G521*.
Identifiers: ClinVar variation 1322116 (VCV001322116.6), dbSNP rs2144571189, ClinGen allele CA400216666.